The following is an entry in ClinVar:

NM_001170629.2(CHD8):c.7676G>A (p.Arg2559Lys)

Gene: CHD8 (chromodomain helicase DNA binding protein 8; minus strand). Cytogenetic location: 14q11.2.
Variant type: single nucleotide variant.
Coding change: c.7676G>A on transcript NM_001170629.2 (MANE Select); coding-DNA position 7676, G replaced by A.
Protein change: p.Arg2559Lys; replaces arginine 2559 with lysine.
Molecular consequence: missense variant.
Genome position (GRCh38, 1-based): chr14:21,385,683, C>T on the plus strand (G>A on the coding strand, the complement: CHD8 is on the minus strand). VCF-style: chr14-21385683-C-T. GRCh37 (hg19) VCF-style: chr14-21853842-C-T.
Other names: c.6839G>A, p.Arg2280Lys (NM_020920.4); short protein forms R2280K, R2559K.
Identifiers: ClinVar variation 1928492 (VCV001928492.5), dbSNP rs1370085855, ClinGen allele CA388874384.
Genomic context (GRCh38, chr14:21,385,683, plus strand): 5'-GCATCTTCACTGGAGTCTGAGTTAGCTGGCATCATAGGATCATCAATGAGTGAGAAGTCC[C>T]TTTCTGAGCTATCATAGCCCTGAGATAAGTCATCATCATCTTCTTCATCCTCATCGTCAT-3'
Protein context (NP_001164100.1, residues 2549-2569): DLSQGYDSSE[Arg2559Lys]DFSLIDDPMM

ClinVar aggregate classification (germline): Uncertain significance (1 of 4 stars; one submission).

Allele frequency attached by ClinVar (database versions not stated): gnomAD exomes below 0.00001; TOPMed below 0.00001; gnomAD 0.00001.
gnomAD v4.1: 2 of 1,551,844 alleles (0.00013%); highest among the groups gnomAD compares: Non-Finnish European, 0.00017%; no homozygotes.

Submission:

Labcorp Genetics (formerly Invitae), Labcorp
Classification: Uncertain significance. Last evaluated: 2022-02-06. Review status: criteria provided, single submitter. Criteria: Invitae Variant Classification Sherloc (09022015). Collection method: clinical testing. Allele origin: germline.
Comment: This sequence change replaces arginine, which is basic and polar, with lysine, which is basic and polar, at codon 2559 of the CHD8 protein (p.Arg2559Lys). In summary, the available evidence is currently insufficient to determine the role of this variant in disease. Therefore, it has been classified as a Variant of Uncertain Significance. Algorithms developed to predict the effect of missense changes on protein structure and function (SIFT, PolyPhen-2, Align-GVGD) all suggest that this variant is likely to be tolerated. This variant has not been reported in the literature in individuals affected with CHD8-related conditions. This variant is not present in population databases (gnomAD no frequency).